The following is an entry in ClinVar:

ClinVar aggregate classification (germline): Uncertain significance. Review status: criteria provided, multiple submitters, no conflicts (2 of 4 stars). 2 submissions from 2 submitters: Uncertain significance (2). Last evaluated 2026-02-06.

Conditions:
Progressive sclerosing poliodystrophy (MTDPS4A). Also called: ALPERS PROGRESSIVE INFANTILE POLIODYSTROPHY; Mitochondrial DNA Depletion Syndrome 4A; Alpers-Huttenlocher Syndrome (AHS); NEURONAL DEGENERATION OF CHILDHOOD WITH LIVER DISEASE, PROGRESSIVE; Alpers Syndrome; Mitochondrial DNA depletion syndrome 4A (Alpers type). Identifiers: Orphanet 726, MedGen C0205710, MONDO:0008758, OMIM 203700.

Submissions (2):

GeneDx
Classification: Uncertain significance. Last evaluated: 2026-02-06. Review status: criteria provided, single submitter. Criteria: GeneDx Variant Classification Process June 2021. Collection method: clinical testing. Allele origin: germline.
Comment: Not observed at significant frequency in large population cohorts (gnomAD); In silico analysis suggests that this missense variant does not alter protein structure/function; Has not been previously published as pathogenic or benign to our knowledge

Labcorp Genetics (formerly Invitae), Labcorp
Classification: Uncertain significance for Progressive sclerosing poliodystrophy. Last evaluated: 2024-06-06. Review status: criteria provided, single submitter. Criteria: Invitae Variant Classification Sherloc (09022015). Collection method: clinical testing. Allele origin: germline.
Comment: This sequence change replaces glutamic acid, which is acidic and polar, with glycine, which is neutral and non-polar, at codon 692 of the POLG protein (p.Glu692Gly). This variant is not present in population databases (gnomAD no frequency). This variant has not been reported in the literature in individuals affected with POLG-related conditions. Advanced modeling of protein sequence and biophysical properties (such as structural, functional, and spatial information, amino acid conservation, physicochemical variation, residue mobility, and thermodynamic stability) performed at Invitae indicates that this missense variant is expected to disrupt POLG protein function with a positive predictive value of 95%. In summary, the available evidence is currently insufficient to determine the role of this variant in disease. Therefore, it has been classified as a Variant of Uncertain Significance.

NM_002693.3(POLG):c.2075A>G (p.Glu692Gly)

Gene: POLG (DNA polymerase gamma, catalytic subunit; minus strand). Cytogenetic location: 15q26.1.
Variant type: single nucleotide variant.
Coding change: c.2075A>G on transcript NM_002693.3 (MANE Select); coding-DNA position 2075, A replaced by G.
Protein change: p.Glu692Gly; replaces glutamic acid 692 with glycine.
Molecular consequence: missense variant.
Genome position (GRCh38, 1-based): chr15:89,323,897, T>C on the plus strand (A>G on the coding strand, the complement: POLG is on the minus strand). VCF-style: chr15-89323897-T-C. GRCh37 (hg19) VCF-style: chr15-89867128-T-C.
Other names: c.2075A>G, p.Glu692Gly (NM_001126131.2); short protein forms E692G.
Identifiers: ClinVar variation 2730103 (VCV002730103.4), dbSNP rs2509232478, ClinGen allele CA393757328.